The following is an entry in ClinVar:

NM_000368.5(TSC1):c.1264-10del

Gene: TSC1 (TSC complex subunit 1; minus strand). Cytogenetic location: 9q34.13.
Variant type: Deletion.
Coding change: c.1264-10del on transcript NM_000368.5 (MANE Select); 10 bases into the intron before coding-DNA position 1264, one base deleted (A; older notation c.1264-10delA).
Molecular consequence: intron variant.
Genome position (GRCh38, 1-based): chr9:132,907,380, T deleted on the plus strand (A on the coding strand, the reverse complement: TSC1 is on the minus strand). VCF-style (leftmost placement, unchanged base first): chr9-132907379-AT-A. GRCh37 (hg19) VCF-style: chr9-135782766-AT-A.
Other names: c.901-10del (NM_001362177.2); c.1111-10del (NM_001162427.2); c.1261-10del (NM_001162426.2).
Identifiers: ClinVar variation 1088060 (VCV001088060.10), dbSNP rs753168838, ClinGen allele CA5301765.

ClinVar aggregate classification (germline): Likely benign. Review status: criteria provided, multiple submitters, no conflicts (2 of 4 stars). 2 submissions from 2 submitters: Likely benign (2). Last evaluated 2025-08-18.

Conditions:
Tuberous sclerosis 1 (TSC1). Identifiers: Orphanet 805, MedGen C1854465, MONDO:0008612, OMIM 191100.

Allele frequency attached by ClinVar (database versions not stated): TOPMed below 0.00001; ExAC 0.00001; gnomAD 0.00001.

Submissions (2):

Labcorp Genetics (formerly Invitae), Labcorp
Classification: Likely benign for Tuberous sclerosis 1. Last evaluated: 2025-08-18. Review status: criteria provided, single submitter. Criteria: Invitae Variant Classification Sherloc (09022015). Collection method: clinical testing. Allele origin: germline.

Myriad Genetics, Inc.
Classification: Likely benign for Tuberous sclerosis 1. Last evaluated: 2025-04-09. Review status: criteria provided, single submitter. Criteria: Myriad Autosomal Dominant, Autosomal Recessive and X-Linked Classification Criteria (2023). Collection method: clinical testing. Allele origin: unknown.
Comment: This variant is considered likely benign. This variant is intronic and is not expected to impact mRNA splicing.